The following is an entry in ClinVar:

ClinVar aggregate classification (germline): Likely benign (1 of 4 stars; one submission).

Allele frequency attached by ClinVar (database versions not stated): ExAC 0.00004; gnomAD 0.00005; TOPMed 0.00005; gnomAD exomes 0.00007.
gnomAD v4.1: 100 of 1,614,034 alleles (0.0062%); highest among the groups gnomAD compares: Non-Finnish European, 0.0084%; no homozygotes.

Submission:

CeGaT Center for Human Genetics Tuebingen
Classification: Likely benign. Last evaluated: 2022-07-01. Review status: criteria provided, single submitter. Criteria: CeGaT Center For Human Genetics Tuebingen Variant Classification Criteria Version 2. Collection method: clinical testing. Allele origin: germline. Affected: yes. Observed: 1 variant allele.
Comment: LRRN1: BP4

NM_020873.7(LRRN1):c.1255A>G (p.Ser419Gly)

Gene: LRRN1 (leucine rich repeat neuronal 1; plus strand). Cytogenetic location: 3p26.2.
Variant type: single nucleotide variant.
Coding change: c.1255A>G on transcript NM_020873.7 (MANE Select); coding-DNA position 1255, A replaced by G.
Protein change: p.Ser419Gly; replaces serine 419 with glycine.
Molecular consequence: missense variant.
Genome position (GRCh38, 1-based): chr3:3,845,896, A>G. VCF-style: chr3-3845896-A-G. GRCh37 (hg19) VCF-style: chr3-3887580-A-G.
Other names: c.1255A>G, p.Ser419Gly (NM_001324188.2, NM_001324189.2); short protein forms S419G.
Identifiers: ClinVar variation 2653448 (VCV002653448.24), dbSNP rs577361491, ClinGen allele CA2229709.
Genomic context (GRCh38, chr3:3,845,896, plus strand): 5'-TGTGCCATGCCGCCCGAATATAAAGGGCACCAGGTGAAGGAAGTTTTAATCCAGGATTCG[A>G]GTGAACAGTGCCTCCCAATGATATCTCACGACAGCTTCCCAAATCGTTTAAACGTGGATA-3'
Protein context (NP_065924.3, residues 409-429): QVKEVLIQDS[Ser419Gly]EQCLPMISHD